The following is an entry in ClinVar:

ClinVar aggregate classification (germline): Uncertain significance (1 of 4 stars; one submission).

Conditions:
Catecholaminergic polymorphic ventricular tachycardia 1. Also called: VENTRICULAR TACHYCARDIA, CATECHOLAMINERGIC POLYMORPHIC, 1, WITH OR WITHOUT ATRIAL DYSFUNCTION AND/OR DILATED CARDIOMYOPATHY; VENTRICULAR TACHYCARDIA, STRESS-INDUCED POLYMORPHIC 1; RYR2-Related Catecholaminergic Polymorphic Ventricular Tachycardia. Identifiers: Orphanet 3286, MedGen C1631597, MONDO:0011484, OMIM 604772.

Submission:

Labcorp Genetics (formerly Invitae), Labcorp
Classification: Uncertain significance for Catecholaminergic polymorphic ventricular tachycardia 1. Last evaluated: 2025-12-08. Review status: criteria provided, single submitter. Criteria: Invitae Variant Classification Sherloc (09022015). Collection method: clinical testing. Allele origin: germline.
Comment: This sequence change replaces leucine, which is neutral and non-polar, with valine, which is neutral and non-polar, at codon 2032 of the RYR2 protein (p.Leu2032Val). This variant is not present in population databases (gnomAD no frequency). This variant has not been reported in the literature in individuals affected with RYR2-related conditions. ClinVar contains an entry for this variant (Variation ID: 1719642). Invitae Evidence Modeling of protein sequence and biophysical properties (such as structural, functional, and spatial information, amino acid conservation, physicochemical variation, residue mobility, and thermodynamic stability) indicates that this missense variant is not expected to disrupt RYR2 protein function with a negative predictive value of 95%. In summary, the available evidence is currently insufficient to determine the role of this variant in disease. Therefore, it has been classified as a Variant of Uncertain Significance.

NM_001035.3(RYR2):c.6094C>G (p.Leu2032Val)

Gene: RYR2 (ryanodine receptor 2; plus strand). Cytogenetic location: 1q43.
Variant type: single nucleotide variant.
Coding change: c.6094C>G on transcript NM_001035.3 (MANE Select); coding-DNA position 6094, C replaced by G.
Protein change: p.Leu2032Val; replaces leucine 2032 with valine.
Molecular consequence: missense variant.
Genome position (GRCh38, 1-based): chr1:237,625,732, C>G. VCF-style: chr1-237625732-C-G. GRCh37 (hg19) VCF-style: chr1-237789032-C-G.
Other names: short protein forms L2032V.
Identifiers: ClinVar variation 1719642 (VCV001719642.6), dbSNP rs1679575988, ClinGen allele CA345408955.
Genomic context (GRCh38, chr1:237,625,732, plus strand): 5'-GATGAAGATGGGTCTCTGGATGGAAACAGTGATTTAACAATTAGAGGGCGTCTGCTATCC[C>G]TGGTAGAAAAGGTGACATATCTGAAGAAGAAGCAAGCAGAAAAACCAGTTGAGAGTGACT-3'
Protein context (NP_001026.2, residues 2022-2042): DLTIRGRLLS[Leu2032Val]VEKVTYLKKK